The following is an entry in ClinVar:

ClinVar aggregate classification (germline): Likely benign (1 of 4 stars; one submission).

gnomAD v4.1: 13 of 1,204,918 alleles (0.0011%); highest among the groups gnomAD compares: East Asian, 0.0089%; no homozygotes.

Submission:

Women's Health and Genetics/Laboratory Corporation of America, LabCorp
Classification: Likely benign. Last evaluated: 2025-02-06. Review status: criteria provided, single submitter. Criteria: LabCorp Variant Classification Summary - May 2015. Collection method: clinical testing. Allele origin: germline.
Comment: Variant summary: ATP2B3 c.2238+9C>T alters a non-conserved nucleotide located at a position not widely known to affect splicing. Consensus agreement among computation tools predict no significant impact on normal splicing. However, these predictions have yet to be confirmed by functional studies. The variant allele was found at a frequency of 1.8e-05 in 170803 control chromosomes. The available data on variant occurrences in the general population are insufficient to allow any conclusion about variant significance. To our knowledge, no occurrence of c.2238+9C>T in individuals affected with X-Linked Progressive Cerebellar Ataxia and no experimental evidence demonstrating its impact on protein function have been reported. No submitters have cited clinical-significance assessments for this variant to ClinVar. Based on the evidence outlined above, the variant was classified as likely benign.

NM_001001344.3(ATP2B3):c.2238+9C>T

Gene: ATP2B3 (ATPase plasma membrane Ca2+ transporting 3; plus strand). Cytogenetic location: Xq28.
Variant type: single nucleotide variant.
Coding change: c.2238+9C>T on transcript NM_001001344.3 (MANE Select); 9 bases into the intron after coding-DNA position 2238, C replaced by T.
Molecular consequence: intron variant.
Genome position (GRCh38, 1-based): chrX:153,556,237, C>T. VCF-style: chrX-153556237-C-T. GRCh37 (hg19) VCF-style: chrX-152821695-C-T.
Other names: c.2238+9C>T (NM_021949.4, NM_001388360.1, NM_001388361.1 and 1 more transcripts); c.2196+9C>T (NM_001410708.1).
Identifiers: ClinVar variation 3768725 (VCV003768725.1).
Genomic context (GRCh38, chrX:153,556,237, plus strand): 5'-GTGCCTAGAAGGGAAGGAGTTCAACCGGCGGATCCGCAATGAGAAAGGCGAGGTAGCACC[C>T]GGCTGTCTGCCACCCCAGACCCCCCTTCTCCTCACCCCAGCCCCCTGCGTGCCCGCCTTA-3'